The following is an entry in ClinVar:

NM_000083.3(CLCN1):c.853+17C>A

Gene: CLCN1 (chloride voltage-gated channel 1; plus strand). Cytogenetic location: 7q34.
Variant type: single nucleotide variant.
Coding change: c.853+17C>A on transcript NM_000083.3 (MANE Select); 17 bases into the intron after coding-DNA position 853, C replaced by A.
Molecular consequence: intron variant.
Genome position (GRCh38, 1-based): chr7:143,324,509, C>A. VCF-style: chr7-143324509-C-A. GRCh37 (hg19) VCF-style: chr7-143021602-C-A.
Identifiers: ClinVar variation 429721 (VCV000429721.12), dbSNP rs201114390, ClinGen allele CA4537137.

ClinVar aggregate classification (germline): Conflicting classifications of pathogenicity. Review status: criteria provided, conflicting classifications (1 of 4 stars). 3 submissions from 3 submitters: Uncertain significance (1); Likely benign (2). Last evaluated 2026-01-25.

Conditions:
Congenital myotonia, autosomal dominant form (THD). Also called: THOMSEN DISEASE; Myotonia congenita autosomal dominant. Identifiers: Orphanet 614, MedGen C2936781, MONDO:0008055, OMIM 160800.
Congenital myotonia, autosomal recessive form. Also called: BECKER DISEASE; myotonia congenita, autosomal recessive; Becker Generalized Myotonia. Identifiers: Orphanet 614, MedGen C0751360, MONDO:0009715, OMIM 255700.

Allele frequency attached by ClinVar (database versions not stated): 1000 Genomes Project 30x 0.00016; 1000 Genomes Project 0.00020; gnomAD 0.00042 and 0.00044; TOPMed 0.00043; gnomAD exomes 0.00046 and 0.00072; ExAC 0.00053; ESP Exome Variant Server 0.00077.

Submissions (3):

Labcorp Genetics (formerly Invitae), Labcorp
Classification: Likely benign for Congenital myotonia, autosomal recessive form; Congenital myotonia, autosomal dominant form. Last evaluated: 2026-01-25. Review status: criteria provided, single submitter. Criteria: Invitae Variant Classification Sherloc (09022015). Collection method: clinical testing. Allele origin: germline.

Blueprint Genetics
Classification: Likely benign. Last evaluated: 2024-11-17. Review status: criteria provided, single submitter. Criteria: ACMG Guidelines, 2015. Collection method: clinical testing. Allele origin: germline.

GeneDx
Classification: Uncertain significance. Last evaluated: 2017-05-04. Review status: criteria provided, single submitter. Criteria: GeneDx Variant Classification (06012015). Collection method: clinical testing. Allele origin: germline. Affected: yes.
Comment: A variant of uncertain significance has been identified in the CLCN1 gene. The c.853+17 C>A variant has not been published as a pathogenic variant, nor has it been reported as a benign variant to our knowledge. The c.853+17 C>A variant is observed in 56/66538 (0.08%) alleles from individuals of European background, in the ExAC dataset (Lek et al., 2016; 1000 Genomes Consortium et al., 2015; Exome Variant Server). In-silico splice prediction models predict the c.853+17 C>A variant does not affect splicing; however, in the absence of RNA/functional studies, the actual effect of this sequence change in this individual is unknown. Therefore, based on the currently available information, it is unclear whether this variant is a pathogenic variant or a rare benign variant.